The following is an entry in ClinVar:

ClinVar aggregate classification (germline): Conflicting classifications of pathogenicity. Review status: criteria provided, conflicting classifications (1 of 4 stars). 3 submissions from 3 submitters: Uncertain significance (1); Likely benign (2). Last evaluated 2026-08-13.

Conditions:
RP1L1-related disorder. Also called: RP1L1-related condition.
Inborn genetic diseases. Identifiers: MedGen C0950123, MeSH D030342.

Allele frequency attached by ClinVar (database versions not stated): ExAC 0.00008; ESP Exome Variant Server 0.00024; TOPMed 0.00031.

Submissions (3):

PreventionGenetics, part of Exact Sciences
Classification: Uncertain significance for RP1L1-related condition. Last evaluated: 2026-08-13. Review status: criteria provided, single submitter. Criteria: ACMG Guidelines, 2015. Collection method: clinical testing. Allele origin: germline.
Comment: The RP1L1 c.2171C>T variant is predicted to result in the amino acid substitution p.Ser724Leu. To our knowledge, this variant has not been reported in the literature. This variant is present in 0.037% of alleles in individuals of African descent in gnomAD. At this time, the clinical significance of this variant is uncertain due to the absence of conclusive functional and genetic evidence.

Blueprint Genetics
Classification: Likely benign. Last evaluated: 2024-08-15. Review status: criteria provided, single submitter. Criteria: ACMG Guidelines, 2015. Collection method: clinical testing. Allele origin: germline.

Ambry Genetics
Classification: Likely benign for Inborn genetic diseases. Last evaluated: 2022-05-09. Review status: criteria provided, single submitter. Criteria: Ambry Variant Classification Scheme 2023. Collection method: clinical testing. Allele origin: germline.

NM_178857.6(RP1L1):c.2171C>T (p.Ser724Leu)

Gene: RP1L1 (RP1 like 1). Cytogenetic location: 8p23.1.
Variant type: single nucleotide variant.
Coding change: c.2171C>T on transcript NM_178857.6 (MANE Select); coding-DNA position 2171, C replaced by T.
Protein change: p.Ser724Leu; replaces serine 724 with leucine.
Molecular consequence: missense variant.
Genome position (GRCh38, 1-based): chr8:10,611,927, G>A on the plus strand (C>T on the coding strand, the complement: RP1L1 is on the minus strand). VCF-style: chr8-10611927-G-A. GRCh37 (hg19) VCF-style: chr8-10469437-G-A.
Other names: short protein forms S724L.
Identifiers: ClinVar variation 2341255 (VCV002341255.4), dbSNP rs370521287, ClinGen allele CA4624924.